The following is an entry in ClinVar:

NM_001257291.2(SLC9A7):c.1303A>G (p.Thr435Ala)

Gene: SLC9A7 (solute carrier family 9 member A7; minus strand). Cytogenetic location: Xp11.3.
Variant type: single nucleotide variant.
Coding change: c.1303A>G on transcript NM_001257291.2 (MANE Select); coding-DNA position 1303, A replaced by G.
Protein change: p.Thr435Ala; replaces threonine 435 with alanine.
Molecular consequence: missense variant.
Genome position (GRCh38, 1-based): chrX:46,651,157, T>C on the plus strand (A>G on the coding strand, the complement: SLC9A7 is on the minus strand). VCF-style: chrX-46651157-T-C. GRCh37 (hg19) VCF-style: chrX-46510592-T-C.
Other names: c.1300A>G, p.Thr434Ala (NM_032591.3); short protein forms T434A, T435A.
Identifiers: ClinVar variation 3683153 (VCV003683153.2).

ClinVar aggregate classification (germline): Uncertain significance (1 of 4 stars; one submission).

Submission:

Labcorp Genetics (formerly Invitae), Labcorp
Classification: Uncertain significance. Last evaluated: 2026-01-26. Review status: criteria provided, single submitter. Criteria: Invitae Variant Classification Sherloc (09022015). Collection method: clinical testing. Allele origin: germline.
Comment: This sequence change replaces threonine, which is neutral and polar, with alanine, which is neutral and non-polar, at codon 435 of the SLC9A7 protein (p.Thr435Ala). This variant is not present in population databases (gnomAD no frequency). This variant has not been reported in the literature in individuals affected with SLC9A7-related conditions. ClinVar contains an entry for this variant (Variation ID: 3683153). Invitae Evidence Modeling of protein sequence and biophysical properties (such as structural, functional, and spatial information, amino acid conservation, physicochemical variation, residue mobility, and thermodynamic stability) indicates that this missense variant is not expected to disrupt SLC9A7 protein function with a negative predictive value of 80%. In summary, the available evidence is currently insufficient to determine the role of this variant in disease. Therefore, it has been classified as a Variant of Uncertain Significance.